The following is an entry in ClinVar:

NM_015335.5(MED13L):c.1819C>T (p.Pro607Ser)

Gene: MED13L (mediator complex subunit 13L; minus strand). Cytogenetic location: 12q24.21.
Variant type: single nucleotide variant.
Coding change: c.1819C>T on transcript NM_015335.5 (MANE Select); coding-DNA position 1819, C replaced by T.
Protein change: p.Pro607Ser; replaces proline 607 with serine.
Molecular consequence: missense variant.
Genome position (GRCh38, 1-based): chr12:116,008,594, G>A on the plus strand (C>T on the coding strand, the complement: MED13L is on the minus strand). VCF-style: chr12-116008594-G-A. GRCh37 (hg19) VCF-style: chr12-116446399-G-A.
Other names: short protein forms P607S.
Identifiers: ClinVar variation 5009022 (VCV005009022.1).

ClinVar aggregate classification (germline): Uncertain significance (1 of 4 stars; one submission).

Submission:

GeneDx
Classification: Uncertain significance. Last evaluated: 2026-03-11. Review status: criteria provided, single submitter. Criteria: GeneDx Variant Classification Process June 2021. Collection method: clinical testing. Allele origin: germline.
Comment: Not observed at significant frequency in large population cohorts (gnomAD); In silico analysis supports that this missense variant has a deleterious effect on protein structure/function; Has not been previously published as pathogenic or benign to our knowledge